The following is an entry in ClinVar:

ClinVar aggregate classification (germline): Likely benign (1 of 4 stars; one submission).

gnomAD v4.1: 25 of 1,209,264 alleles (0.0021%); highest among the groups gnomAD compares: Non-Finnish European, 0.0026%; no homozygotes.

Submission:

CeGaT Center for Human Genetics Tuebingen
Classification: Likely benign. Last evaluated: 2026-07-01. Review status: criteria provided, single submitter. Criteria: CeGaT Center For Human Genetics Tuebingen Variant Classification Criteria Version 2. Collection method: clinical testing. Allele origin: germline. Affected: yes. Observed: 1 variant allele.
Comment: UBQLN2: BP4, BP7, BS2

NM_013444.4(UBQLN2):c.993T>C (p.Thr331=)

Gene: UBQLN2 (ubiquilin 2; plus strand). Cytogenetic location: Xp11.21.
Variant type: single nucleotide variant.
Coding change: c.993T>C on transcript NM_013444.4 (MANE Select); coding-DNA position 993, T replaced by C.
Protein change: p.Thr331=; no amino-acid change (threonine 331 retained).
Molecular consequence: synonymous variant.
Genome position (GRCh38, 1-based): chrX:56,564,866, T>C. VCF-style: chrX-56564866-T-C. GRCh37 (hg19) VCF-style: chrX-56591299-T-C.
Identifiers: ClinVar variation 5039628 (VCV005039628.1).